The following is an entry in ClinVar:

ClinVar aggregate classification (germline): Pathogenic (1 of 4 stars; one submission).

Conditions:
UGT1A1-related disorder. Also called: UGT1A1-related disorders; UGT1A1-related condition.

Submission:

PreventionGenetics, part of Exact Sciences
Classification: Pathogenic for UGT1A1-related condition. Last evaluated: 2024-11-19. Review status: criteria provided, single submitter. Criteria: ACMG Guidelines, 2015. Collection method: clinical testing. Allele origin: germline.
Comment: The UGT1A1 c.250C>T variant is predicted to result in premature protein termination (p.Gln84*). To our knowledge, this variant has not been reported in the literature or in a large population database (gnomAD), indicating this variant is rare. Nonsense variants in UGT1A1 are expected to be pathogenic. This variant is interpreted as pathogenic.

NM_000463.3(UGT1A1):c.250C>T (p.Gln84Ter)

Genes: UGT1A (UDP glucuronosyltransferase family 1 member A complex locus; plus strand), UGT1A1 (UDP glucuronosyltransferase family 1 member A1; plus strand), UGT1A10 (UDP glucuronosyltransferase family 1 member A10; plus strand), UGT1A3 (UDP glucuronosyltransferase family 1 member A3; plus strand), UGT1A4 (UDP glucuronosyltransferase family 1 member A4; plus strand) and 5 more. Cytogenetic location: 2q37.1.
Variant type: single nucleotide variant.
Coding change: c.250C>T on transcript NM_000463.3 (MANE Select); coding-DNA position 250, C replaced by T.
Protein change: p.Gln84Ter; replaces glutamine 84 with a stop codon.
Molecular consequence: nonsense. On other transcripts: intron variant (9).
Genome position (GRCh38, 1-based): chr2:233,760,537, C>T. VCF-style: chr2-233760537-C-T. GRCh37 (hg19) VCF-style: chr2-234669183-C-T.
Other names: c.856-6497C>T (NM_019076.5, NM_019075.4, NM_021027.3 and 1 more transcripts); c.61-6497C>T (NM_205862.3); c.862-6497C>T (NM_001072.4); c.868-6497C>T (NM_019078.2, NM_007120.3, NM_019093.4); short protein forms Q84*.
Identifiers: ClinVar variation 4999243 (VCV004999243.1).